The following is an entry in ClinVar:

NM_001267550.2(TTN):c.23352G>A (p.Thr7784=)

Gene: TTN (titin; minus strand). Cytogenetic location: 2q31.2.
Variant type: single nucleotide variant.
Coding change: c.23352G>A on transcript NM_001267550.2 (MANE Select); coding-DNA position 23352, G replaced by A.
Protein change: p.Thr7784=; no amino-acid change (threonine 7784 retained).
Molecular consequence: synonymous variant. On other transcripts: intron variant (3).
Genome position (GRCh38, 1-based): chr2:178,720,410, C>T on the plus strand (G>A on the coding strand, the complement: TTN is on the minus strand). VCF-style: chr2-178720410-C-T. GRCh37 (hg19) VCF-style: chr2-179585137-C-T.
Other names: c.22401G>A, p.Thr7467= (NM_001256850.1); c.19620G>A, p.Thr6540= (NM_133378.4); c.13282+17672G>A (NM_003319.4); c.13858+17672G>A (NM_133437.4); c.13657+17672G>A (NM_133432.3).
Identifiers: ClinVar variation 283298 (VCV000283298.31), dbSNP rs745476881, ClinGen allele CA2000657.

ClinVar aggregate classification (germline): Conflicting classifications of pathogenicity. Review status: criteria provided, conflicting classifications (1 of 4 stars). 3 submissions from 3 submitters: Uncertain significance (1); Likely benign (2). Last evaluated 2025-04-23.

Conditions:
Autosomal recessive limb-girdle muscular dystrophy type 2J (LGMDR10). Also called: Limb-girdle muscular dystrophy, type 2J; MUSCULAR DYSTROPHY, LIMB-GIRDLE, AUTOSOMAL RECESSIVE 10. Identifiers: Orphanet 140922, MedGen C1837342, MONDO:0012127, OMIM 608807.
Dilated cardiomyopathy 1G (CMD1G). Identifiers: Orphanet 154, MedGen C1858763, MONDO:0011400, OMIM 604145.

Allele frequency attached by ClinVar (database versions not stated): TOPMed below 0.00001; gnomAD 0.00001; gnomAD exomes 0.00001; ExAC 0.00002.
gnomAD v4.1: 15 of 1,612,830 alleles (0.00093%); highest among the groups gnomAD compares: African/African-American, 0.0027%; no homozygotes.

Submissions (3):

Labcorp Genetics (formerly Invitae), Labcorp
Classification: Likely benign for Dilated cardiomyopathy 1G; Autosomal recessive limb-girdle muscular dystrophy type 2J. Last evaluated: 2025-04-23. Review status: criteria provided, single submitter. Criteria: Invitae Variant Classification Sherloc (09022015). Collection method: clinical testing. Allele origin: germline.

CeGaT Center for Human Genetics Tuebingen
Classification: Likely benign. Last evaluated: 2024-02-01. Review status: criteria provided, single submitter. Criteria: CeGaT Center For Human Genetics Tuebingen Variant Classification Criteria Version 2. Collection method: clinical testing. Allele origin: germline. Affected: yes. Observed: 1 variant allele.
Comment: TTN: BP4, BP7

Eurofins Ntd Llc (ga)
Classification: Uncertain significance. Last evaluated: 2015-09-10. Review status: criteria provided, single submitter. Criteria: EGL Classification Definitions 2015. Collection method: clinical testing. Allele origin: germline. Observed: 1 variant allele, 1 heterozygote.